The following is an entry in ClinVar:

NM_002386.4(MC1R):c.30_46del (p.Leu11fs)

Gene: MC1R (melanocortin 1 receptor; plus strand). Cytogenetic location: 16q24.3.
Variant type: Deletion.
Coding change: c.30_46del on transcript NM_002386.4 (MANE Select); coding-DNA positions 30 to 46, 17 bases deleted (TCTGGGCTCCCTCAACT).
Protein change: p.Leu11fs; shifts the reading frame from leucine 11.
Molecular consequence: frameshift variant.
Genome position (GRCh38, 1-based): chr16:89,919,288-89,919,304, TCTGGGCTCCCTCAACT deleted; deleting any 17 consecutive bases within chr16:89,919,285-89,919,304 gives the same sequence; the c. name uses the placement nearest the transcript's 3' end. VCF-style (leftmost placement, unchanged base first): chr16-89919284-GACTTCTGGGCTCCCTCA-G. GRCh37 (hg19) VCF-style: chr16-89985692-GACTTCTGGGCTCCCTCA-G.
Other names: short protein forms L11fs.
Identifiers: ClinVar variation 2881540 (VCV002881540.3), dbSNP rs764964218, ClinGen allele CA8255462.
Genomic context (GRCh38, chr16:89,919,284, plus strand): 5'-CTCCAACGACTCCTTCCTGCTTCCTGGACAGGACTATGGCTGTGCAGGGATCCCAGAGAA[GACTTCTGGGCTCCCTCA>G]ACTCCACCCCCACAGCCATCCCCCAGCTGGGGCTGGCTGCCAACCAGACAGGAGCCCGGT-3'

ClinVar aggregate classification (germline): Uncertain significance (1 of 4 stars; one submission).

Conditions:
Melanoma, cutaneous malignant, susceptibility to, 5. Also called: Cutaneous malignant melanoma 5. Identifiers: Orphanet 618, MedGen C2751295, MONDO:0013133, OMIM 613099.

Submission:

Labcorp Genetics (formerly Invitae), Labcorp
Classification: Uncertain significance for Melanoma, cutaneous malignant, susceptibility to, 5. Last evaluated: 2025-09-22. Review status: criteria provided, single submitter. Criteria: Invitae Variant Classification Sherloc (09022015). Collection method: clinical testing. Allele origin: germline.
Comment: This sequence change creates a premature translational stop signal (p.Leu11Hisfs*26) in the MC1R gene. While this is not anticipated to result in nonsense mediated decay, it is expected to disrupt the last 307 amino acid(s) of the MC1R protein. This variant is present in population databases (rs764964218, gnomAD 0.03%). This variant has not been reported in the literature in individuals affected with MC1R-related conditions. ClinVar contains an entry for this variant (Variation ID: 2881540). Experimental studies and prediction algorithms are not available or were not evaluated, and the functional significance of this variant is currently unknown. In summary, the available evidence is currently insufficient to determine the role of this variant in disease. Therefore, it has been classified as a Variant of Uncertain Significance.